The following is an entry in ClinVar:

ClinVar aggregate classification (germline): Uncertain significance. Review status: criteria provided, multiple submitters, no conflicts (2 of 4 stars). 2 submissions from 2 submitters: Uncertain significance (2). Last evaluated 2025-04-20.

Allele frequency attached by ClinVar (database versions not stated): ExAC 0.00001; gnomAD 0.00001.
gnomAD v4.1: 59 of 1,614,010 alleles (0.0037%); highest among the groups gnomAD compares: Middle Eastern, 0.016%; no homozygotes.

Submissions (2):

Ambry Genetics
Classification: Uncertain significance. Last evaluated: 2025-04-20. Review status: criteria provided, single submitter. Criteria: Ambry Variant Classification Scheme 2023. Collection method: clinical testing. Allele origin: germline.

Labcorp Genetics (formerly Invitae), Labcorp
Classification: Uncertain significance. Last evaluated: 2025-01-29. Review status: criteria provided, single submitter. Criteria: Invitae Variant Classification Sherloc (09022015). Collection method: clinical testing. Allele origin: germline.
Comment: This sequence change replaces threonine, which is neutral and polar, with methionine, which is neutral and non-polar, at codon 141 of the APCDD1 protein (p.Thr141Met). This variant is present in population databases (rs762580615, gnomAD 0.01%). This variant has not been reported in the literature in individuals affected with APCDD1-related conditions. ClinVar contains an entry for this variant (Variation ID: 2471803). Invitae Evidence Modeling of protein sequence and biophysical properties (such as structural, functional, and spatial information, amino acid conservation, physicochemical variation, residue mobility, and thermodynamic stability) indicates that this missense variant is not expected to disrupt APCDD1 protein function with a negative predictive value of 80%. In summary, the available evidence is currently insufficient to determine the role of this variant in disease. Therefore, it has been classified as a Variant of Uncertain Significance.

NM_153000.5(APCDD1):c.422C>T (p.Thr141Met)

Gene: APCDD1 (APC down-regulated 1; plus strand). Cytogenetic location: 18p11.22.
Variant type: single nucleotide variant.
Coding change: c.422C>T on transcript NM_153000.5 (MANE Select); coding-DNA position 422, C replaced by T.
Protein change: p.Thr141Met; replaces threonine 141 with methionine.
Molecular consequence: missense variant.
Genome position (GRCh38, 1-based): chr18:10,471,709, C>T. VCF-style: chr18-10471709-C-T. GRCh37 (hg19) VCF-style: chr18-10471706-C-T.
Other names: short protein forms T141M.
Identifiers: ClinVar variation 2471803 (VCV002471803.5), dbSNP rs762580615, ClinGen allele CA8891010.